The following is an entry in ClinVar:

NM_001048174.2(MUTYH):c.242G>T (p.Arg81Leu)

Gene: MUTYH (mutY DNA glycosylase; minus strand). Cytogenetic location: 1p34.1.
Variant type: single nucleotide variant.
Coding change: c.242G>T on transcript NM_001048174.2 (MANE Select); coding-DNA position 242, G replaced by T.
Protein change: p.Arg81Leu; replaces arginine 81 with leucine.
Molecular consequence: missense variant. On other transcripts: 5 prime UTR variant (6), non-coding transcript variant (7).
Genome position (GRCh38, 1-based): chr1:45,333,435, C>A on the plus strand (G>T on the coding strand, the complement: MUTYH is on the minus strand). VCF-style: chr1-45333435-C-A. GRCh37 (hg19) VCF-style: chr1-45799107-C-A.
Other names: c.-30G>T (NM_001350651.2, NM_001407082.1, NM_001350650.2); c.317G>T, p.Arg106Leu (NM_001407069.1, NM_012222.3); c.242G>T, p.Arg81Leu (NM_001407070.1, NM_001407072.1, NM_001407080.1 and 6 more transcripts); c.245G>T, p.Arg82Leu (NM_001407071.1, NM_001407078.1, NM_001407079.1 and 2 more transcripts); c.284G>T, p.Arg95Leu (NM_001407073.1, NM_001407083.1, NM_001407085.1); c.158G>T, p.Arg53Leu (NM_001407075.1); c.275G>T, p.Arg92Leu (NM_001407077.1, NM_001293191.2); c.263G>T, p.Arg88Leu (NM_001407087.1); and 3 more; short protein forms R106L, R92L, R109L, R95L, R96L, R53L, R81L, R82L.
Identifiers: ClinVar variation 2870310 (VCV002870310.3), dbSNP rs761763725, ClinGen allele CA340136373.

ClinVar aggregate classification (germline): Uncertain significance (1 of 4 stars; one submission).

Conditions:
Familial adenomatous polyposis 2. Also called: COLORECTAL ADENOMATOUS POLYPOSIS, AUTOSOMAL RECESSIVE; ADENOMAS, MULTIPLE COLORECTAL, AUTOSOMAL RECESSIVE; MUTYH-related attenuated familial adenomatous polyposis; MUTYH-associated polyposis; MYH-associated polyposis; MUTYH Polyposis. Identifiers: Orphanet 220460, Orphanet 247798, MedGen C3272841, MONDO:0012041, OMIM 608456.

Submission:

Labcorp Genetics (formerly Invitae), Labcorp
Classification: Uncertain significance for Familial adenomatous polyposis 2. Last evaluated: 2023-04-12. Review status: criteria provided, single submitter. Criteria: Invitae Variant Classification Sherloc (09022015). Collection method: clinical testing. Allele origin: germline.
Comment: In summary, the available evidence is currently insufficient to determine the role of this variant in disease. Therefore, it has been classified as a Variant of Uncertain Significance. This variant disrupts the p.Arg109 amino acid residue in MUTYH. Other variant(s) that disrupt this residue have been determined to be pathogenic (PMID: 19732775, 21520333, 24799981, 25980754). This suggests that this residue is clinically significant, and that variants that disrupt this residue are likely to be disease-causing. An algorithm developed to predict the effect of missense changes on protein structure and function (PolyPhen-2) suggests that this variant is likely to be disruptive. This variant has not been reported in the literature in individuals affected with MUTYH-related conditions. This variant is not present in population databases (gnomAD no frequency). This sequence change replaces arginine, which is basic and polar, with leucine, which is neutral and non-polar, at codon 109 of the MUTYH protein (p.Arg109Leu).

Literature cited by the submitters: PubMed 19732775; PubMed 21520333; PubMed 24799981; PubMed 25980754.